The following is an entry in ClinVar:

ClinVar aggregate classification (germline): Uncertain significance. Review status: criteria provided, multiple submitters, no conflicts (2 of 4 stars). 3 submissions from 3 submitters: Uncertain significance (3). Last evaluated 2025-05-06.

Conditions:
Combined malonic and methylmalonic acidemia. Identifiers: Orphanet 289504, MedGen C3280314, MONDO:0013661, OMIM 614265.
Inborn genetic diseases. Identifiers: MedGen C0950123, MeSH D030342.

Allele frequency attached by ClinVar (database versions not stated): gnomAD exomes 0.00001 and 0.00003; ExAC 0.00005; gnomAD 0.00012 and 0.00014; TOPMed 0.00012.

Submissions (3):

Ambry Genetics
Classification: Uncertain significance for Inborn genetic diseases. Last evaluated: 2025-05-06. Review status: criteria provided, single submitter. Criteria: Ambry Variant Classification Scheme 2023. Collection method: clinical testing. Allele origin: germline.

Labcorp Genetics (formerly Invitae), Labcorp
Classification: Uncertain significance for Combined malonic and methylmalonic acidemia. Last evaluated: 2022-07-30. Review status: criteria provided, single submitter. Criteria: Invitae Variant Classification Sherloc (09022015). Collection method: clinical testing. Allele origin: germline.
Comment: This sequence change replaces arginine, which is basic and polar, with lysine, which is basic and polar, at codon 27 of the ACSF3 protein (p.Arg27Lys). This variant is present in population databases (rs756279730, gnomAD 0.04%). This variant has not been reported in the literature in individuals affected with ACSF3-related conditions. ClinVar contains an entry for this variant (Variation ID: 598385). Algorithms developed to predict the effect of missense changes on protein structure and function output the following: SIFT: "Tolerated"; PolyPhen-2: "Benign"; Align-GVGD: "Class C0". The lysine amino acid residue is found in multiple mammalian species, which suggests that this missense change does not adversely affect protein function. In summary, the available evidence is currently insufficient to determine the role of this variant in disease. Therefore, it has been classified as a Variant of Uncertain Significance.

Eurofins Ntd Llc (ga)
Classification: Uncertain significance. Last evaluated: 2018-08-14. Review status: criteria provided, single submitter. Criteria: EGL ClinVar v180209 classification definitions. Collection method: clinical testing. Allele origin: germline. Observed: 1 variant allele, 1 heterozygote.

NM_001243279.3(ACSF3):c.80G>A (p.Arg27Lys)

Gene: ACSF3 (acyl-CoA synthetase family member 3; plus strand). Cytogenetic location: 16q24.3.
Variant type: single nucleotide variant.
Coding change: c.80G>A on transcript NM_001243279.3 (MANE Select); coding-DNA position 80, G replaced by A.
Protein change: p.Arg27Lys; replaces arginine 27 with lysine.
Molecular consequence: missense variant. On other transcripts: non-coding transcript variant (3), intron variant (1).
Genome position (GRCh38, 1-based): chr16:89,100,761, G>A. VCF-style: chr16-89100761-G-A. GRCh37 (hg19) VCF-style: chr16-89167169-G-A.
Other names: c.80G>A, p.Arg27Lys (NM_001127214.4, NM_174917.5); c.-129-1843G>A (NM_001284316.2); c.80G>A (NM_174917.3); short protein forms R27K.
Identifiers: ClinVar variation 598385 (VCV000598385.9), dbSNP rs756279730, ClinGen allele CA8237540.